The following is an entry in ClinVar:

NM_022772.4(EPS8L2):c.1129G>A (p.Val377Met)

Gene: EPS8L2 (EPS8 signaling adaptor L2; plus strand). Cytogenetic location: 11p15.5.
Variant type: single nucleotide variant.
Coding change: c.1129G>A on transcript NM_022772.4 (MANE Select); coding-DNA position 1129, G replaced by A.
Protein change: p.Val377Met; replaces valine 377 with methionine.
Molecular consequence: missense variant.
Genome position (GRCh38, 1-based): chr11:722,470, G>A. VCF-style: chr11-722470-G-A. GRCh37 (hg19) VCF-style: chr11-722470-G-A.
Other names: short protein forms V377M.
Identifiers: ClinVar variation 2414573 (VCV002414573.4), dbSNP rs778165540, ClinGen allele CA5787513.
Genomic context (GRCh38, chr11:722,470, plus strand): 5'-ACCTGCAGTGGCCCAGACATCGCACGCTCCGTCTCCTGCCCACTGCTCTCCCGAGATGCC[G>A]TGGACTTCCTGCGCGGCCACCTGGTCCCTAAGGAGATGTCGCTGTGGGAGTCACTGGGAG-3'
Protein context (NP_073609.2, residues 367-387): VSCPLLSRDA[Val377Met]DFLRGHLVPK

ClinVar aggregate classification (germline): Uncertain significance. Review status: criteria provided, multiple submitters, no conflicts (2 of 4 stars). 2 submissions from 2 submitters: Uncertain significance (2). Last evaluated 2024-07-02.

Allele frequency attached by ClinVar (database versions not stated): ExAC 0.00003; gnomAD 0.00005; TOPMed 0.00006.

Submissions (2):

Blueprint Genetics
Classification: Uncertain significance. Last evaluated: 2024-07-02. Review status: criteria provided, single submitter. Criteria: ACMG Guidelines, 2015. Collection method: clinical testing. Allele origin: germline.

Labcorp Genetics (formerly Invitae), Labcorp
Classification: Uncertain significance. Last evaluated: 2022-04-16. Review status: criteria provided, single submitter. Criteria: Invitae Variant Classification Sherloc (09022015). Collection method: clinical testing. Allele origin: germline.
Comment: This sequence change replaces valine, which is neutral and non-polar, with methionine, which is neutral and non-polar, at codon 377 of the EPS8L2 protein (p.Val377Met). This variant is present in population databases (rs778165540, gnomAD 0.01%). This variant has not been reported in the literature in individuals affected with EPS8L2-related conditions. Algorithms developed to predict the effect of missense changes on protein structure and function are either unavailable or do not agree on the potential impact of this missense change (SIFT: "Tolerated"; PolyPhen-2: "Probably Damaging"; Align-GVGD: "Class C0"). In summary, the available evidence is currently insufficient to determine the role of this variant in disease. Therefore, it has been classified as a Variant of Uncertain Significance.